The following is an entry in ClinVar:

NM_024675.4(PALB2):c.1696C>A (p.Arg566Ser)

Gene: PALB2 (partner and localizer of BRCA2; minus strand). Cytogenetic location: 16p12.2.
Variant type: single nucleotide variant.
Coding change: c.1696C>A on transcript NM_024675.4 (MANE Select); coding-DNA position 1696, C replaced by A.
Protein change: p.Arg566Ser; replaces arginine 566 with serine.
Molecular consequence: missense variant.
Genome position (GRCh38, 1-based): chr16:23,630,458, G>T on the plus strand (C>A on the coding strand, the complement: PALB2 is on the minus strand). VCF-style: chr16-23630458-G-T. GRCh37 (hg19) VCF-style: chr16-23641779-G-T.
Other names: c.1636C>A, p.Arg546Ser (NM_001407296.1); c.1696C>A, p.Arg566Ser (NM_001407297.1, NM_001407298.1, NM_001407299.1 and 3 more transcripts); c.811C>A, p.Arg271Ser (NM_001407304.1, NM_001407305.1, NM_001407306.1 and 5 more transcripts); c.-93C>A (NM_001407312.1, NM_001407313.1); short protein forms R271S, R546S, R566S.
Identifiers: ClinVar variation 1778228 (VCV001778228.4), dbSNP rs746582620, ClinGen allele CA395128458.

ClinVar aggregate classification (germline): Uncertain significance. Review status: criteria provided, multiple submitters, no conflicts (2 of 4 stars). 2 submissions from 2 submitters: Uncertain significance (2). Last evaluated 2022-09-11.

Conditions:
Hereditary cancer-predisposing syndrome. Also called: Neoplastic Syndromes, Hereditary; Tumor predisposition; Hereditary Cancer Syndrome; Hereditary neoplastic syndrome. Identifiers: Orphanet 140162, MedGen C0027672, MeSH D009386, MONDO:0015356.

Submissions (2):

Ambry Genetics
Classification: Uncertain significance for Hereditary cancer-predisposing syndrome. Last evaluated: 2022-09-11. Review status: criteria provided, single submitter. Criteria: Ambry Variant Classification Scheme 2023. Collection method: clinical testing. Allele origin: germline.
Comment: The p.R566S variant (also known as c.1696C>A), located in coding exon 5 of the PALB2 gene, results from a C to A substitution at nucleotide position 1696. The arginine at codon 566 is replaced by serine, an amino acid with dissimilar properties. This amino acid position is conserved. In addition, this alteration is predicted to be tolerated by in silico analysis. Since supporting evidence is limited at this time, the clinical significance of this alteration remains unclear.

Color Diagnostics, LLC DBA Color Health
Classification: Uncertain significance for Hereditary cancer-predisposing syndrome. Last evaluated: 2022-07-11. Review status: criteria provided, single submitter. Criteria: ACMG Guidelines, 2015. Collection method: clinical testing. Allele origin: germline.
Comment: This missense variant replaces arginine with serine at codon 566 of the PALB2 protein. Computational prediction suggests that this variant may not impact protein structure and function (internally defined REVEL score threshold <= 0.5, PMID: 27666373). To our knowledge, functional studies have not been reported for this variant. This variant has not been reported in individuals affected with hereditary cancer in the literature. This variant has not been identified in the general population by the Genome Aggregation Database (gnomAD). The available evidence is insufficient to determine the role of this variant in disease conclusively. Therefore, this variant is classified as a Variant of Uncertain Significance.